The following is an entry in ClinVar:

ClinVar aggregate classification (germline): Uncertain significance (1 of 4 stars; one submission).

Conditions:
Inborn genetic diseases. Identifiers: MedGen C0950123, MeSH D030342.

Submission:

Ambry Genetics
Classification: Uncertain significance for Inborn genetic diseases. Last evaluated: 2026-07-07. Review status: criteria provided, single submitter. Criteria: Ambry Variant Classification Scheme 2023. Collection method: clinical testing. Allele origin: germline.
Comment: The p.A352V variant (also known as c.1055C>T), located in coding exon 8 of the RUNX1 gene, results from a C to T substitution at nucleotide position 1055. The alanine at codon 352 is replaced by valine, an amino acid with similar properties. This amino acid position is conserved. In addition, this alteration is predicted to be tolerated by in silico analysis. Based on the available evidence, the clinical significance of this variant remains unclear.

NM_001754.5(RUNX1):c.1055C>T (p.Ala352Val)

Gene: RUNX1 (RUNX family transcription factor 1; minus strand). Cytogenetic location: 21q22.12.
Variant type: single nucleotide variant.
Coding change: c.1055C>T on transcript NM_001754.5 (MANE Select); coding-DNA position 1055, C replaced by T.
Protein change: p.Ala352Val; replaces alanine 352 with valine.
Molecular consequence: missense variant.
Genome position (GRCh38, 1-based): chr21:34,792,523, G>A on the plus strand (C>T on the coding strand, the complement: RUNX1 is on the minus strand). VCF-style: chr21-34792523-G-A. GRCh37 (hg19) VCF-style: chr21-36164820-G-A.
Other names: c.974C>T, p.Ala325Val (NM_001001890.3); short protein forms A325V, A352V.
Identifiers: ClinVar variation 5028585 (VCV005028585.1).
Genomic context (GRCh38, chr21:34,792,523, plus strand): 5'-CCCATGGCCGACATGCCGATGCCGATGCCCGAGGTGACCGGCGTCGGGGAGTAGGTGAAG[G>A]CGCCTGGATAGTGCATGCGGGGGTCGGAGATGGAGGGCAGCGCGGGGAACTGGCGCGGGT-3'
Protein context (NP_001745.2, residues 342-362): ISDPRMHYPG[Ala352Val]FTYSPTPVTS